The following is an entry in ClinVar:

NM_014633.5(CTR9):c.2954G>A (p.Arg985His)

Gene: CTR9 (CTR9 component of Paf1/RNA polymerase II complex; plus strand). Cytogenetic location: 11p15.4.
Variant type: single nucleotide variant.
Coding change: c.2954G>A on transcript NM_014633.5 (MANE Select); coding-DNA position 2954, G replaced by A.
Protein change: p.Arg985His; replaces arginine 985 with histidine.
Molecular consequence: missense variant.
Genome position (GRCh38, 1-based): chr11:10,775,275, G>A. VCF-style: chr11-10775275-G-A. GRCh37 (hg19) VCF-style: chr11-10796822-G-A.
Other names: c.2954G>A (NM_014633.4); c.2882G>A, p.Arg961His (NM_001346279.2); short protein forms R961H, R985H.
Identifiers: ClinVar variation 1052928 (VCV001052928.10), dbSNP rs372648972, ClinGen allele CA5885468.

ClinVar aggregate classification (germline): Conflicting classifications of pathogenicity. Review status: criteria provided, conflicting classifications (1 of 4 stars). 2 submissions from 2 submitters: Uncertain significance (1); Benign (1). Last evaluated 2025-11-05.

Allele frequency attached by ClinVar (database versions not stated): ExAC 0.00005; gnomAD 0.00005; gnomAD exomes 0.00006; ESP Exome Variant Server 0.00008.
gnomAD v4.1: 48 of 1,613,840 alleles (0.003%); highest among the groups gnomAD compares: East Asian, 0.02%; no homozygotes.

Submissions (2):

Labcorp Genetics (formerly Invitae), Labcorp
Classification: Benign. Last evaluated: 2025-11-05. Review status: criteria provided, single submitter. Criteria: Invitae Variant Classification Sherloc (09022015). Collection method: clinical testing. Allele origin: germline.

GeneDx
Classification: Uncertain significance. Last evaluated: 2023-07-02. Review status: criteria provided, single submitter. Criteria: GeneDx Variant Classification Process June 2021. Collection method: clinical testing. Allele origin: germline. Affected: yes.
Comment: In silico analysis supports that this missense variant does not alter protein structure/function; Has not been previously published as pathogenic or benign to our knowledge